The following is an entry in ClinVar:

ClinVar aggregate classification (germline): Benign/Likely benign. Review status: criteria provided, multiple submitters, no conflicts (2 of 4 stars). 2 submissions from 2 submitters: Benign (1); Likely benign (1). Last evaluated 2026-07-28.

Conditions:
Rhabdoid tumor predisposition syndrome 2 (RTPS2). Identifiers: Orphanet 231108, Orphanet 69077, MedGen C2750074, MONDO:0013224, OMIM 613325.
Hereditary cancer-predisposing syndrome. Also called: Neoplastic Syndromes, Hereditary; Tumor predisposition; Hereditary neoplastic syndrome; Hereditary Cancer Syndrome. Identifiers: Orphanet 140162, MedGen C0027672, MeSH D009386, MONDO:0015356.

gnomAD v4.1: 4 of 1,614,146 alleles (0.00025%); highest among the groups gnomAD compares: Non-Finnish European, 0.00034%; no homozygotes.

Submissions (2):

Ambry Genetics
Classification: Likely benign for Hereditary cancer-predisposing syndrome. Last evaluated: 2026-07-28. Review status: criteria provided, single submitter. Criteria: Ambry Variant Classification Scheme 2023. Collection method: clinical testing. Allele origin: germline.

Myriad Genetics, Inc.
Classification: Benign for Rhabdoid tumor predisposition syndrome 2. Last evaluated: 2026-07-10. Review status: criteria provided, single submitter. Criteria: Myriad Autosomal Dominant, Autosomal Recessive and X-Linked Classification Criteria (2023). Collection method: clinical testing. Allele origin: unknown.
Comment: This variant is considered benign. This variant is a silent/synonymous amino acid change and it is not expected to impact splicing.

NM_003072.5(SMARCA4):c.1482A>C (p.Thr494=)

Gene: SMARCA4 (SWI/SNF related BAF chromatin remodeling complex subunit ATPase 4; plus strand). Cytogenetic location: 19p13.2.
Variant type: single nucleotide variant.
Coding change: c.1482A>C on transcript NM_003072.5 (MANE Select); coding-DNA position 1482, A replaced by C.
Protein change: p.Thr494=; no amino-acid change (threonine 494 retained).
Molecular consequence: synonymous variant. On other transcripts: non-coding transcript variant (1).
Genome position (GRCh38, 1-based): chr19:10,994,890, A>C. VCF-style: chr19-10994890-A-C. GRCh37 (hg19) VCF-style: chr19-11105566-A-C.
Other names: c.1482A>C, p.Thr494= (NM_001128844.3, NM_001128845.2, NM_001128846.2 and 6 more transcripts).
Identifiers: ClinVar variation 5029870 (VCV005029870.2).